The following is an entry in ClinVar:

NM_000432.4(MYL2):c.149G>A (p.Arg50Lys)

Gene: MYL2 (myosin light chain 2; minus strand). Cytogenetic location: 12q24.11.
Variant type: single nucleotide variant.
Coding change: c.149G>A on transcript NM_000432.4 (MANE Select); coding-DNA position 149, G replaced by A.
Protein change: p.Arg50Lys; replaces arginine 50 with lysine.
Molecular consequence: missense variant. On other transcripts: intron variant (1).
Genome position (GRCh38, 1-based): chr12:110,915,735, C>T on the plus strand (G>A on the coding strand, the complement: MYL2 is on the minus strand). VCF-style: chr12-110915735-C-T. GRCh37 (hg19) VCF-style: chr12-111353539-C-T.
Other names: c.92G>A, p.Arg31Lys (NM_001406916.1); c.94-1411G>A (NM_001406745.1); short protein forms R31K, R50K.
Identifiers: ClinVar variation 3894487 (VCV003894487.1).

ClinVar aggregate classification (germline): Uncertain significance (1 of 4 stars; one submission).

Conditions:
Cardiomyopathy (CMYO). Also called: Cardiomyopathies. Identifiers: Orphanet 167848, MedGen C0878544, MONDO:0004994, HP:0001638. Inheritance: Various modes of inheritance.

Submission:

Color Diagnostics, LLC DBA Color Health
Classification: Uncertain significance for Cardiomyopathy. Last evaluated: 2024-02-18. Review status: criteria provided, single submitter. Criteria: ACMG Guidelines, 2015. Collection method: clinical testing. Allele origin: germline.
Comment: This missense variant replaces arginine with lysine at codon 50 of the MYL2 protein. Computational prediction suggests that this variant may not impact protein structure and function (internally defined REVEL score threshold <= 0.5, PMID: 27666373). To our knowledge, functional studies have not been reported for this variant. This variant has not been reported in individuals affected with MYL2-related disorders in the literature. This variant has not been identified in the general population by the Genome Aggregation Database (gnomAD). The available evidence is insufficient to determine the role of this variant in disease conclusively. Therefore, this variant is classified as a Variant of Uncertain Significance.